The following is an entry in ClinVar:

ClinVar aggregate classification (germline): Uncertain significance. Review status: criteria provided, single submitter (1 of 4 stars). 2 submissions from 2 submitters: Uncertain significance (1). 1 of the submissions does not count toward it. Last evaluated 2025-10-19.

Conditions:
Lethal multiple pterygium syndrome (LMPS). Identifiers: Orphanet 33108, MedGen C1854678, MONDO:0009668, OMIM 253290.

Allele frequency attached by ClinVar (database versions not stated): gnomAD 0.00002; TOPMed 0.00002.
gnomAD v4.1: 8 of 1,614,042 alleles (0.0005%); highest among the groups gnomAD compares: African/African-American, 0.0027%; no homozygotes.

Submissions (2):

Labcorp Genetics (formerly Invitae), Labcorp
Classification: Uncertain significance for Lethal multiple pterygium syndrome. Last evaluated: 2025-10-19. Review status: criteria provided, single submitter. Criteria: Invitae Variant Classification Sherloc (09022015). Collection method: clinical testing. Allele origin: germline.
Comment: This sequence change creates a premature translational stop signal (p.Arg464*) in the CHRND gene. While this is not anticipated to result in nonsense mediated decay, it is expected to disrupt the last 54 amino acid(s) of the CHRND protein. This variant is present in population databases (rs121909507, gnomAD 0.02%). This premature translational stop signal has been observed in individual(s) with congenital myasthenic syndrome (PMID: 37721175). This variant has been reported in individual(s) with fetal akinesia deformation sequence (PMID: 18252226); however, the role of the variant in this condition is currently unclear. ClinVar contains an entry for this variant (Variation ID: 18370). In summary, the available evidence is currently insufficient to determine the role of this variant in disease. Therefore, it has been classified as a Variant of Uncertain Significance.

OMIM
Classification: Pathogenic for MULTIPLE PTERYGIUM SYNDROME, LETHAL TYPE. Last evaluated: 2008-02-01. Review status: no assertion criteria provided. Collection method: literature only. Allele origin: germline. Not counted in ClinVar's aggregate classification.

Literature cited by the submitters: PubMed 37721175 (cited by Labcorp Genetics (formerly Invitae), Labcorp); PubMed 18252226 (cited by Labcorp Genetics (formerly Invitae), Labcorp and OMIM).

NM_000751.3(CHRND):c.1390C>T (p.Arg464Ter)

Gene: CHRND (cholinergic receptor nicotinic delta subunit; plus strand). Cytogenetic location: 2q37.1.
Variant type: single nucleotide variant.
Coding change: c.1390C>T on transcript NM_000751.3 (MANE Select); coding-DNA position 1390, C replaced by T.
Protein change: p.Arg464Ter; replaces arginine 464 with a stop codon.
Molecular consequence: nonsense.
Genome position (GRCh38, 1-based): chr2:232,535,148, C>T. VCF-style: chr2-232535148-C-T. GRCh37 (hg19) VCF-style: chr2-233399858-C-T.
Other names: R443*; c.1345C>T, p.Arg449Ter (NM_001256657.2); c.808C>T, p.Arg270Ter (NM_001311195.2); c.1087C>T, p.Arg363Ter (NM_001311196.2); short protein forms R464*, R363*, R270*, R449*.
Identifiers: ClinVar variation 18370 (VCV000018370.2), dbSNP rs121909507, ClinGen allele CA128070.